The following is an entry in ClinVar:

ClinVar aggregate classification (germline): Benign (1 of 4 stars; one submission).

Allele frequency attached by ClinVar (database versions not stated): 1000 Genomes Project 30x 0.00125; TOPMed 0.00130; 1000 Genomes Project 0.00140; ESP Exome Variant Server 0.00146; gnomAD exomes 0.00268; ExAC 0.00318; gnomAD 0.00336.
gnomAD v4.1: 4,425 of 1,613,856 alleles (0.27%); highest among the groups gnomAD compares: Non-Finnish European, 0.24%; 41 homozygotes.

Submission:

CeGaT Center for Human Genetics Tuebingen
Classification: Benign. Last evaluated: 2025-02-01. Review status: criteria provided, single submitter. Criteria: CeGaT Center For Human Genetics Tuebingen Variant Classification Criteria Version 2. Collection method: clinical testing. Allele origin: germline. Affected: yes. Observed: 2 variant alleles.
Comment: MLKL: BP4, BS1, BS2

NM_152649.4(MLKL):c.55G>A (p.Glu19Lys)

Gene: MLKL (mixed lineage kinase domain like pseudokinase; minus strand). Cytogenetic location: 16q23.1.
Variant type: single nucleotide variant.
Coding change: c.55G>A on transcript NM_152649.4 (MANE Select); coding-DNA position 55, G replaced by A.
Protein change: p.Glu19Lys; replaces glutamic acid 19 with lysine.
Molecular consequence: missense variant.
Genome position (GRCh38, 1-based): chr16:74,695,703, C>T on the plus strand (G>A on the coding strand, the complement: MLKL is on the minus strand). VCF-style: chr16-74695703-C-T. GRCh37 (hg19) VCF-style: chr16-74729601-C-T.
Other names: c.55G>A, p.Glu19Lys (NM_001142497.3); short protein forms E19K.
Identifiers: ClinVar variation 2646862 (VCV002646862.24), dbSNP rs146865744, ClinGen allele CA8170271.